The following is an entry in ClinVar:

ClinVar aggregate classification (germline): Uncertain significance (1 of 4 stars; one submission).

Allele frequency attached by ClinVar (database versions not stated): TOPMed below 0.00001; gnomAD exomes 0.00001.
gnomAD v4.1: 3 of 1,606,328 alleles (0.00019%); highest among the groups gnomAD compares: African/African-American, 0.0013%; no homozygotes.

Submission:

Labcorp Genetics (formerly Invitae), Labcorp
Classification: Uncertain significance. Last evaluated: 2022-06-27. Review status: criteria provided, single submitter. Criteria: Invitae Variant Classification Sherloc (09022015). Collection method: clinical testing. Allele origin: germline.
Comment: ClinVar contains an entry for this variant (Variation ID: 1005452). In summary, the available evidence is currently insufficient to determine the role of this variant in disease. Therefore, it has been classified as a Variant of Uncertain Significance. Algorithms developed to predict the effect of missense changes on protein structure and function output the following: SIFT: "Deleterious"; PolyPhen-2: "Possibly Damaging"; Align-GVGD: "Class C0". The proline amino acid residue is found in multiple mammalian species, which suggests that this missense change does not adversely affect protein function. This variant has not been reported in the literature in individuals affected with ADGRV1-related conditions. This variant is not present in population databases (gnomAD no frequency). This sequence change replaces serine, which is neutral and polar, with proline, which is neutral and non-polar, at codon 3491 of the ADGRV1 protein (p.Ser3491Pro).

NM_032119.4(ADGRV1):c.10471T>C (p.Ser3491Pro)

Gene: ADGRV1 (adhesion G protein-coupled receptor V1; plus strand). Cytogenetic location: 5q14.3.
Variant type: single nucleotide variant.
Coding change: c.10471T>C on transcript NM_032119.4 (MANE Select); coding-DNA position 10471, T replaced by C.
Protein change: p.Ser3491Pro; replaces serine 3491 with proline.
Molecular consequence: missense variant. On other transcripts: non-coding transcript variant (1).
Genome position (GRCh38, 1-based): chr5:90,729,686, T>C. VCF-style: chr5-90729686-T-C. GRCh37 (hg19) VCF-style: chr5-90025503-T-C.
Other names: short protein forms S3491P.
Identifiers: ClinVar variation 1005452 (VCV001005452.6), dbSNP rs1337101422, ClinGen allele CA360405398.